The following is an entry in ClinVar:

NM_138420.4(AHNAK2):c.3249G>A (p.Lys1083=)

Gene: AHNAK2 (AHNAK nucleoprotein 2; minus strand). Cytogenetic location: 14q32.33.
Variant type: single nucleotide variant.
Coding change: c.3249G>A on transcript NM_138420.4 (MANE Select); coding-DNA position 3249, G replaced by A.
Protein change: p.Lys1083=; no amino-acid change (lysine 1083 retained).
Molecular consequence: synonymous variant.
Genome position (GRCh38, 1-based): chr14:104,952,202, C>T on the plus strand (G>A on the coding strand, the complement: AHNAK2 is on the minus strand). VCF-style: chr14-104952202-C-T. GRCh37 (hg19) VCF-style: chr14-105418539-C-T.
Other names: c.2949G>A, p.Lys983= (NM_001350929.2).
Identifiers: ClinVar variation 2644860 (VCV002644860.24), dbSNP rs999077696, ClinGen allele CA488728188.

ClinVar aggregate classification (germline): Likely benign (1 of 4 stars; one submission).

Submission:

CeGaT Center for Human Genetics Tuebingen
Classification: Likely benign. Last evaluated: 2023-09-01. Review status: criteria provided, single submitter. Criteria: CeGaT Center For Human Genetics Tuebingen Variant Classification Criteria Version 2. Collection method: clinical testing. Allele origin: germline. Affected: yes. Observed: 1 variant allele.
Comment: AHNAK2: BP4, BP7